The following is an entry in ClinVar:

NM_001374736.1(DST):c.19314G>A (p.Ala6438=)

Gene: DST (dystonin; minus strand). Cytogenetic location: 6p12.1.
Variant type: single nucleotide variant.
Coding change: c.19314G>A on transcript NM_001374736.1 (MANE Select); coding-DNA position 19314, G replaced by A.
Protein change: p.Ala6438=; no amino-acid change (alanine 6438 retained).
Molecular consequence: synonymous variant.
Genome position (GRCh38, 1-based): chr6:56,506,715, C>T on the plus strand (G>A on the coding strand, the complement: DST is on the minus strand). VCF-style: chr6-56506715-C-T. GRCh37 (hg19) VCF-style: chr6-56371513-C-T.
Other names: c.12957G>A, p.Ala4319= (NM_001144769.5); c.12543G>A, p.Ala4181= (NM_001144770.2); c.19314G>A, p.Ala6438= (NM_001374722.1); c.18354G>A, p.Ala6118= (NM_001374729.1); c.12096G>A, p.Ala4032= (NM_001374730.1); c.19341G>A, p.Ala6447= (NM_001374734.1); c.12423G>A, p.Ala4141= (NM_001386100.1, NM_183380.4); c.11445G>A, p.Ala3815= (NM_015548.5); and 1 more.
Identifiers: ClinVar variation 1412726 (VCV001412726.6), dbSNP rs761750412, ClinGen allele CA3867036.
Genomic context (GRCh38, chr6:56,506,715, plus strand): 5'-AGCCAGTTGTACCTCATCTATACTCTTCTTGACAATGGGTTTATCAGGCTCCCCACATGC[C>T]GCAATGAGTTCAGAACCTAGGTTAATAACTATATCCAGCTCCTCCTGTAGTCCATCTATT-3'
Protein context (NP_001361665.1, residues 6428-6448): IVINLGSELI[Ala6438=]ACGEPDKPIV

ClinVar aggregate classification (germline): Conflicting classifications of pathogenicity. Review status: criteria provided, conflicting classifications (1 of 4 stars). 2 submissions from 2 submitters: Uncertain significance (1); Likely benign (1). Last evaluated 2026-01-13.

Conditions:
DST-related disorder. Also called: DST-related condition; DST-related disorders.
Epidermolysis bullosa simplex 3, localized or generalized intermediate, with BP230 deficiency (EBS3). Also called: Epidermolysis bullosa simplex, autosomal recessive 2; Epidermolysis bullosa simplex due to BP230 deficiency. Identifiers: Orphanet 412181, MedGen C3809470, MONDO:0014180, OMIM 615425.
Hereditary sensory and autonomic neuropathy type 6. Also called: HSAN VI; Neuropathy, hereditary sensory and autonomic, type VI. Identifiers: Orphanet 314381, MedGen C3539003, MONDO:0013839, OMIM 614653.

Allele frequency attached by ClinVar (database versions not stated): ExAC 0.00001; gnomAD 0.00003; TOPMed 0.00004.
gnomAD v4.1: 24 of 1,613,450 alleles (0.0015%); highest among the groups gnomAD compares: Middle Eastern, 0.033%; no homozygotes.

Submissions (2):

PreventionGenetics, part of Exact Sciences
Classification: Likely benign for DST-related condition. Last evaluated: 2026-01-13. Review status: criteria provided, single submitter. Criteria: ACMG Guidelines, 2015. Collection method: clinical testing. Allele origin: germline.
Comment: This variant is classified as likely benign based on ACMG/AMP sequence variant interpretation guidelines (Richards et al. 2015 PMID: 25741868, with internal and published modifications).

Labcorp Genetics (formerly Invitae), Labcorp
Classification: Uncertain significance for Epidermolysis bullosa simplex 3, localized or generalized intermediate, with BP230 deficiency; Hereditary sensory and autonomic neuropathy type 6. Last evaluated: 2024-03-21. Review status: criteria provided, single submitter. Criteria: Invitae Variant Classification Sherloc (09022015). Collection method: clinical testing. Allele origin: germline.
Comment: The DST gene has multiple clinically relevant transcripts. This variant occurs in alternate transcript NM_015548.4, and corresponds to NM_001723.5:c.*108802G>A in the primary transcript. This sequence change affects codon 3815 of the DST mRNA. It is a 'silent' change, meaning that it does not change the encoded amino acid sequence of the DST protein. This variant is present in population databases (rs761750412, gnomAD 0.02%). This variant has not been reported in the literature in individuals affected with DST-related conditions. Experimental studies and prediction algorithms are not available or were not evaluated, and the effect of this variant on mRNA splicing is currently unknown. In summary, the available evidence is currently insufficient to determine the role of this variant in disease. Therefore, it has been classified as a Variant of Uncertain Significance.